The following is an entry in ClinVar:

ClinVar aggregate classification (germline): Uncertain significance. Review status: criteria provided, multiple submitters, no conflicts (2 of 4 stars). 2 submissions from 2 submitters: Uncertain significance (2). Last evaluated 2025-11-20.

Allele frequency attached by ClinVar (database versions not stated): gnomAD 0.00001; gnomAD exomes 0.00001; ExAC 0.00002; TOPMed 0.00002.
gnomAD v4.1: 10 of 1,612,964 alleles (0.00062%); highest among the groups gnomAD compares: East Asian, 0.0045%; no homozygotes.

Submissions (2):

Labcorp Genetics (formerly Invitae), Labcorp
Classification: Uncertain significance. Last evaluated: 2025-11-20. Review status: criteria provided, single submitter. Criteria: Invitae Variant Classification Sherloc (09022015). Collection method: clinical testing. Allele origin: germline.
Comment: This sequence change replaces arginine, which is basic and polar, with glutamine, which is neutral and polar, at codon 176 of the ARHGEF1 protein (p.Arg176Gln). This variant is present in population databases (rs782018741, gnomAD 0.007%). This variant has not been reported in the literature in individuals affected with ARHGEF1-related conditions. ClinVar contains an entry for this variant (Variation ID: 2547534). An algorithm developed to predict the effect of missense changes on protein structure and function (PolyPhen-2) suggests that this variant is likely to be disruptive. In summary, the available evidence is currently insufficient to determine the role of this variant in disease. Therefore, it has been classified as a Variant of Uncertain Significance.

Ambry Genetics
Classification: Uncertain significance. Last evaluated: 2023-05-17. Review status: criteria provided, single submitter. Criteria: Ambry Variant Classification Scheme 2023. Collection method: clinical testing. Allele origin: germline.

NM_004706.4(ARHGEF1):c.482G>A (p.Arg161Gln)

Gene: ARHGEF1 (Rho guanine nucleotide exchange factor 1; plus strand). Cytogenetic location: 19q13.2.
Variant type: single nucleotide variant.
Coding change: c.482G>A on transcript NM_004706.4 (MANE Select); coding-DNA position 482, G replaced by A.
Protein change: p.Arg161Gln; replaces arginine 161 with glutamine.
Molecular consequence: missense variant. On other transcripts: non-coding transcript variant (2).
Genome position (GRCh38, 1-based): chr19:41,892,717, G>A. VCF-style: chr19-41892717-G-A. GRCh37 (hg19) VCF-style: chr19-42396788-G-A.
Other names: c.482G>A, p.Arg161Gln (NM_001396000.1, NM_001396003.1, NM_001396006.1); c.383G>A, p.Arg128Gln (NM_001396002.1, NM_001396004.1, NM_198977.2); c.527G>A, p.Arg176Gln (NM_199002.2); short protein forms R176Q, R128Q, R161Q.
Identifiers: ClinVar variation 2547534 (VCV002547534.3), dbSNP rs782018741, ClinGen allele CA9465928.